The following is an entry in ClinVar:

NM_012434.5(SLC17A5):c.233G>C (p.Arg78Thr)

Gene: SLC17A5 (solute carrier family 17 member 5; minus strand). Cytogenetic location: 6q13.
Variant type: single nucleotide variant.
Coding change: c.233G>C on transcript NM_012434.5 (MANE Select); coding-DNA position 233, G replaced by C.
Protein change: p.Arg78Thr; replaces arginine 78 with threonine.
Molecular consequence: missense variant. On other transcripts: intron variant (2).
Genome position (GRCh38, 1-based): chr6:73,644,465, C>G on the plus strand (G>C on the coding strand, the complement: SLC17A5 is on the minus strand). VCF-style: chr6-73644465-C-G. GRCh37 (hg19) VCF-style: chr6-74354188-C-G.
Other names: c.61-2541G>C (NM_001382636.1, NM_001382629.1); c.233G>C, p.Arg78Thr (NM_001382630.1, NM_001382632.1, NM_001382633.1 and 2 more transcripts); c.254G>C, p.Arg85Thr (NM_001382631.1); short protein forms R78T, R85T.
Identifiers: ClinVar variation 2148162 (VCV002148162.1), dbSNP rs763275424, ClinGen allele CA3890587.

ClinVar aggregate classification (germline): Uncertain significance (1 of 4 stars; one submission).

Conditions:
Salla disease (SD). Also called: Less Severe FSASD (Salla Disease); Sialuria, Finnish type; N-acetylneuraminic acid (NANA) storage disease (NSD); Infantile sialic acid storage disorder (ISSD). Identifiers: Orphanet 309334, Orphanet 834, MedGen C1096903, MONDO:0011449, OMIM 604369.

Allele frequency attached by ClinVar (database versions not stated): ExAC 0.00002.
gnomAD v4.1: 8 of 1,613,968 alleles (0.0005%); highest among the groups gnomAD compares: East Asian, 0.0067%; no homozygotes.

Submission:

Labcorp Genetics (formerly Invitae), Labcorp
Classification: Uncertain significance for Salla disease. Last evaluated: 2022-03-15. Review status: criteria provided, single submitter. Criteria: Invitae Variant Classification Sherloc (09022015). Collection method: clinical testing. Allele origin: germline.
Comment: This sequence change replaces arginine, which is basic and polar, with threonine, which is neutral and polar, at codon 78 of the SLC17A5 protein (p.Arg78Thr). This variant is present in population databases (rs763275424, gnomAD 0.01%). This variant has not been reported in the literature in individuals affected with SLC17A5-related conditions. Algorithms developed to predict the effect of missense changes on protein structure and function output the following: SIFT: "Tolerated"; PolyPhen-2: "Benign"; Align-GVGD: "Class C0". The threonine amino acid residue is found in multiple mammalian species, which suggests that this missense change does not adversely affect protein function. In summary, the available evidence is currently insufficient to determine the role of this variant in disease. Therefore, it has been classified as a Variant of Uncertain Significance.